The following is an entry in ClinVar:

NM_001160036.2(RHOBTB2):c.-23-3C>T

Genes: RHOBTB2 (Rho related BTB domain containing 2; plus strand), RHOBTB2-AS1 (RHOBTB2 antisense RNA 1; minus strand). Cytogenetic location: 8p21.3.
Variant type: single nucleotide variant.
Coding change: c.-23-3C>T on transcript NM_001160036.2; 3 bases into the intron before 23 bases upstream of the start codon, C replaced by T.
Molecular consequence: intron variant.
Genome position (GRCh38, 1-based): chr8:22,994,558, C>T. VCF-style: chr8-22994558-C-T. GRCh37 (hg19) VCF-style: chr8-22852071-C-T.
Identifiers: ClinVar variation 2658473 (VCV002658473.22), dbSNP rs7841874, ClinGen allele CA4672320.
Genomic context (GRCh38, chr8:22,994,558, plus strand): 5'-CATTCCCTTTCTCCCCTCTGTCTCCCCTGCCCCGCCCCATCCACTCCTGTTCCTCACAAC[C>T]AGGAGCCTGGAGGGAACACAGAGCGATGCAAGCCTGGAGAAAAGGCCCCGATGGCCCCCA-3'

ClinVar aggregate classification (germline): Likely benign (1 of 4 stars; one submission).

Allele frequency attached by ClinVar (database versions not stated): gnomAD 0.00178; ExAC 0.00066; TOPMed 0.00187; gnomAD exomes 0.00016; 1000 Genomes Project 30x 0.00094; 1000 Genomes Project 0.00100; ESP Exome Variant Server 0.00131.
gnomAD v4.1: 503 of 1,548,248 alleles (0.032%); highest among the groups gnomAD compares: African/African-American, 0.58%; 3 homozygotes.

Submission:

CeGaT Center for Human Genetics Tuebingen
Classification: Likely benign. Last evaluated: 2025-12-01. Review status: criteria provided, single submitter. Criteria: CeGaT Center For Human Genetics Tuebingen Variant Classification Criteria Version 2. Collection method: clinical testing. Allele origin: germline. Affected: yes. Observed: 2 variant alleles.
Comment: RHOBTB2: BS2